The following is an entry in ClinVar:

NM_006846.4(SPINK5):c.475-86G>C

Gene: SPINK5 (serine peptidase inhibitor Kazal type 5; plus strand). Cytogenetic location: 5q32.
Variant type: single nucleotide variant.
Coding change: c.475-86G>C on transcript NM_006846.4 (MANE Select); 86 bases into the intron before coding-DNA position 475, G replaced by C.
Molecular consequence: intron variant.
Genome position (GRCh38, 1-based): chr5:148,089,408, G>C. VCF-style: chr5-148089408-G-C. GRCh37 (hg19) VCF-style: chr5-147468971-G-C.
Other names: c.475-86G>C (NM_001127698.2, NM_001127699.2).
Identifiers: ClinVar variation 1280647 (VCV001280647.3), dbSNP rs4529181, ClinGen allele CA15365267.

ClinVar aggregate classification (germline): Benign. Review status: criteria provided, multiple submitters, no conflicts (2 of 4 stars). 2 submissions from 2 submitters: Benign (2). Last evaluated 2024-01-24.

Allele frequency attached by ClinVar (database versions not stated): 1000 Genomes Project 30x 0.73079; TOPMed 0.67059.
gnomAD v4.1: 988,179 of 1,590,034 alleles (62%); highest among the groups gnomAD compares: South Asian, 78%; 311,256 homozygotes.

Submissions (2):

Unidad de Genómica Garrahan, Hospital de Pediatría Garrahan
Classification: Benign. Last evaluated: 2024-01-24. Review status: criteria provided, single submitter. Criteria: ACMG Guidelines, 2015. Collection method: clinical testing. Allele origin: germline. Affected: no. Observed: 80 variant alleles.
Comment: This variant is classified as Benign based on local population frequency. This variant was detected in 91% of patients studied by a panel of primary immunodeficiencies. Number of patients: 80. Only high quality variants are reported.

GeneDx
Classification: Benign. Last evaluated: 2015-03-03. Review status: criteria provided, single submitter. Criteria: GeneDx Variant Classification Process June 2021. Collection method: clinical testing. Allele origin: germline. Affected: yes.